The following is an entry in ClinVar:

ClinVar aggregate classification (germline): Uncertain significance. Review status: criteria provided, multiple submitters, no conflicts (2 of 4 stars). 2 submissions from 2 submitters: Uncertain significance (2). Last evaluated 2024-08-04.

Conditions:
Inborn genetic diseases. Identifiers: MedGen C0950123, MeSH D030342.

Allele frequency attached by ClinVar (database versions not stated): ExAC 0.00001; gnomAD 0.00001; gnomAD exomes 0.00001; 1000 Genomes Project 30x 0.00016.
gnomAD v4.1: 14 of 1,613,768 alleles (0.00087%); highest among the groups gnomAD compares: Non-Finnish European, 0.0011%; no homozygotes.

Submissions (2):

Ambry Genetics
Classification: Uncertain significance for Inborn genetic diseases. Last evaluated: 2024-08-04. Review status: criteria provided, single submitter. Criteria: Ambry Variant Classification Scheme 2023. Collection method: clinical testing. Allele origin: germline.

Labcorp Genetics (formerly Invitae), Labcorp
Classification: Uncertain significance. Last evaluated: 2022-06-27. Review status: criteria provided, single submitter. Criteria: Invitae Variant Classification Sherloc (09022015). Collection method: clinical testing. Allele origin: germline.
Comment: In summary, the available evidence is currently insufficient to determine the role of this variant in disease. Therefore, it has been classified as a Variant of Uncertain Significance. Algorithms developed to predict the effect of missense changes on protein structure and function (SIFT, PolyPhen-2, Align-GVGD) all suggest that this variant is likely to be disruptive. This variant has not been reported in the literature in individuals affected with NBAS-related conditions. This variant is present in population databases (rs778823667, gnomAD 0.002%). This sequence change replaces valine, which is neutral and non-polar, with isoleucine, which is neutral and non-polar, at codon 1228 of the NBAS protein (p.Val1228Ile).

NM_015909.4(NBAS):c.3682G>A (p.Val1228Ile)

Gene: NBAS (NBAS subunit of NRZ tethering complex; minus strand). Cytogenetic location: 2p24.3.
Variant type: single nucleotide variant.
Coding change: c.3682G>A on transcript NM_015909.4 (MANE Select); coding-DNA position 3682, G replaced by A.
Protein change: p.Val1228Ile; replaces valine 1228 with isoleucine.
Molecular consequence: missense variant. On other transcripts: non-coding transcript variant (1).
Genome position (GRCh38, 1-based): chr2:15,374,629, C>T on the plus strand (G>A on the coding strand, the complement: NBAS is on the minus strand). VCF-style: chr2-15374629-C-T. GRCh37 (hg19) VCF-style: chr2-15514753-C-T.
Other names: c.3682G>A (NM_015909.2); short protein forms V1228I.
Identifiers: ClinVar variation 1375290 (VCV001375290.8), dbSNP rs778823667, ClinGen allele CA1535958.
Genomic context (GRCh38, chr2:15,374,629, plus strand): 5'-ATAAGTTAGTAACAATGCAACAGTAAGTAGAAAACTCACCTTGCAAAGGCAGGATCTTTA[C>T]CCCAAATTCTTCAAGACATCCAACGGCTTGGATAAGATCTAGCTCCTCTTGAATGGCAGG-3'
Protein context (NP_056993.2, residues 1218-1238): QAVGCLEEFG[Val1228Ile]KILPLQVRLC